The following is an entry in ClinVar:

NM_005635.4(SSX1):c.13G>A (p.Asp5Asn)

Gene: SSX1 (SSX family member 1; plus strand). Cytogenetic location: Xp11.23.
Variant type: single nucleotide variant.
Coding change: c.13G>A on transcript NM_005635.4 (MANE Select); coding-DNA position 13, G replaced by A.
Protein change: p.Asp5Asn; replaces aspartic acid 5 with asparagine.
Molecular consequence: missense variant.
Genome position (GRCh38, 1-based): chrX:48,257,254, G>A. VCF-style: chrX-48257254-G-A. GRCh37 (hg19) VCF-style: chrX-48116689-G-A.
Other names: c.13G>A, p.Asp5Asn (NM_001278691.2); c.13G>A (NM_005635.2); short protein forms D5N.
Identifiers: ClinVar variation 2660445 (VCV002660445.25), dbSNP rs142416571, ClinGen allele CA10401174.

ClinVar aggregate classification (germline): Likely benign. Review status: criteria provided, multiple submitters, no conflicts (2 of 4 stars). 2 submissions from 2 submitters: Likely benign (2). Last evaluated 2023-10-27.

Allele frequency attached by ClinVar (database versions not stated): gnomAD 0.00010; ESP Exome Variant Server 0.00019; 1000 Genomes Project 30x 0.00021; 1000 Genomes Project 0.00026.
gnomAD v4.1: 112 of 1,209,301 alleles (0.0093%); highest among the groups gnomAD compares: East Asian, 0.033%; no homozygotes.

Submissions (2):

Ambry Genetics
Classification: Likely benign. Last evaluated: 2023-10-27. Review status: criteria provided, single submitter. Criteria: Ambry Variant Classification Scheme 2023. Collection method: clinical testing. Allele origin: germline.

CeGaT Center for Human Genetics Tuebingen
Classification: Likely benign. Last evaluated: 2023-03-01. Review status: criteria provided, single submitter. Criteria: CeGaT Center For Human Genetics Tuebingen Variant Classification Criteria Version 2. Collection method: clinical testing. Allele origin: germline. Affected: yes. Observed: 1 variant allele.
Comment: SSX1: BS2